The following is an entry in ClinVar:

ClinVar aggregate classification (germline): Uncertain significance (1 of 4 stars; one submission).

Conditions:
Hereditary cancer-predisposing syndrome. Also called: Neoplastic Syndromes, Hereditary; Tumor predisposition; Hereditary Cancer Syndrome; Hereditary neoplastic syndrome. Identifiers: Orphanet 140162, MedGen C0027672, MeSH D009386, MONDO:0015356.

Submission:

Ambry Genetics
Classification: Uncertain significance for Hereditary cancer-predisposing syndrome. Last evaluated: 2025-11-13. Review status: criteria provided, single submitter. Criteria: Ambry Variant Classification Scheme 2023. Collection method: clinical testing. Allele origin: germline.
Comment: The p.D1127Y variant (also known as c.3379G>T), located in coding exon 28 of the EGFR gene, results from a G to T substitution at nucleotide position 3379. The aspartic acid at codon 1127 is replaced by tyrosine, an amino acid with highly dissimilar properties. This amino acid position is poorly conserved in available vertebrate species. In addition, this alteration is predicted to be tolerated by in silico analysis. Based on the available evidence, the clinical significance of this variant remains unclear.

NM_005228.5(EGFR):c.3379G>T (p.Asp1127Tyr)

Gene: EGFR (epidermal growth factor receptor; plus strand). Cytogenetic location: 7p11.2.
Variant type: single nucleotide variant.
Coding change: c.3379G>T on transcript NM_005228.5 (MANE Select); coding-DNA position 3379, G replaced by T.
Protein change: p.Asp1127Tyr; replaces aspartic acid 1127 with tyrosine.
Molecular consequence: missense variant.
Genome position (GRCh38, 1-based): chr7:55,205,363, G>T. VCF-style: chr7-55205363-G-T. GRCh37 (hg19) VCF-style: chr7-55273056-G-T.
Other names: c.3244G>T, p.Asp1082Tyr (NM_001346899.2); c.3220G>T, p.Asp1074Tyr (NM_001346900.2); c.2578G>T, p.Asp860Tyr (NM_001346941.2); short protein forms D860Y, D1074Y, D1082Y, D1127Y.
Identifiers: ClinVar variation 4639283 (VCV004639283.1).